The following is an entry in ClinVar:

NM_057176.3(BSND):c.23G>A (p.Arg8Gln)

Gene: BSND (barttin CLCNK type accessory subunit beta; plus strand). Cytogenetic location: 1p32.3.
Variant type: single nucleotide variant.
Coding change: c.23G>A on transcript NM_057176.3 (MANE Select); coding-DNA position 23, G replaced by A.
Protein change: p.Arg8Gln; replaces arginine 8 with glutamine.
Molecular consequence: missense variant.
Genome position (GRCh38, 1-based): chr1:54,999,209, G>A. VCF-style: chr1-54999209-G-A. GRCh37 (hg19) VCF-style: chr1-55464882-G-A.
Other names: c.23G>A (NM_057176.2); short protein forms R8Q.
Identifiers: ClinVar variation 2202510 (VCV002202510.14), dbSNP rs74315288, ClinGen allele CA871193.
Genomic context (GRCh38, chr1:54,999,209, plus strand): 5'-TCCCGGGGGTGTGCAGGCCAGGGACTGGCCAGGCAGCCATGGCTGACGAGAAGACCTTCC[G>A]GATCGGCTTCATTGTGCTGGGGCTTTTCCTGCTGGCCCTCGGTACGTTCCTCATGAGCCA-3'
Protein context (NP_476517.1, residues 1-18): MADEKTF[Arg8Gln]IGFIVLGLFL

ClinVar aggregate classification (germline): Conflicting classifications of pathogenicity. Review status: criteria provided, conflicting classifications (1 of 4 stars). 12 submissions from 12 submitters: Pathogenic (2); Likely pathogenic (8); Uncertain significance (2). Last evaluated 2026-06-19.

Conditions:
Bartter syndrome type 4. Also called: Infantile Bartter syndrome with sensorineural deafness. Identifiers: Orphanet 89938, MedGen C3838860, MONDO:0019524.
Monogenic hearing loss.
BSND-related disorder. Also called: BSND-related condition.
Bartter syndrome. Identifiers: Orphanet 112, MedGen C0004775, MONDO:0015231.
Bartter disease type 4A. Also called: BARTTER SYNDROME, NEONATAL, WITH SENSORINEURAL DEAFNESS; BARTTER SYNDROME, TYPE 4A, NEONATAL, WITH SENSORINEURAL DEAFNESS. Identifiers: Orphanet 112, MedGen C1865270, MONDO:0011242, OMIM 602522.

Allele frequency attached by ClinVar (database versions not stated): gnomAD 0.00006; TOPMed 0.00006; ExAC 0.00012.
gnomAD v4.1: 146 of 1,614,012 alleles (0.009%); highest among the groups gnomAD compares: South Asian, 0.053%; 1 homozygote.

Submissions (12):

MVZ Martinsried, Medicover Genetics
Classification: Likely pathogenic for Bartter disease type 4A. Last evaluated: 2026-06-19. Review status: criteria provided, single submitter. Criteria: ClinGen Variant Curation SOP V3.2 + Classification Guidance July2025. Collection method: clinical testing. Allele origin: inherited. Affected: yes. Observed: 1 homozygote.

GeneDx
Classification: Uncertain significance. Last evaluated: 2026-05-09. Review status: criteria provided, single submitter. Criteria: GeneDx Variant Classification Process June 2021. Collection method: clinical testing. Allele origin: germline.
Comment: In silico analysis supports that this missense variant has a deleterious effect on protein structure/function; This variant is associated with the following publications: (PMID: 31706454, 38767670, 29986705, 38224868, 40160404, Gestoso-UzalN2024[Abstract], 28984810, 33879512, 30174009)

Genetics Laboratory, Great Ormond Street Hospital NHS Foundation Trust, North Thames Genomic Laboratory Hub
Classification: Likely pathogenic for Monogenic hearing loss. Last evaluated: 2026-05-06. Review status: criteria provided, single submitter. Criteria: ACGS Best Practice Guidelines for Variant Classification in Rare Disease 2024 v1.2. Collection method: clinical testing. Allele origin: germline. Affected: yes.
Comment: PM2_supporting, PP3_supporting, PM5_moderate, PM3_moderate

PreventionGenetics, part of Exact Sciences
Classification: Likely pathogenic for BSND-related condition. Last evaluated: 2026-03-18. Review status: criteria provided, single submitter. Criteria: ACMG Guidelines, 2015. Collection method: clinical testing. Allele origin: germline.
Comment: The BSND c.23G>A variant is predicted to result in the amino acid substitution p.Arg8Gln. This variant has been reported in the homozygous state in four individuals from three families with hearing loss, with one individual noted to also have unspecified kidney disorder (Cabanillas et al. 2018. PubMed ID: 29986705; Costales et al. 2019. PubMed ID: 31706454; Rezaie et al. 2024. PubMed ID: 38767670; Reda Del Barrio et al. 2024. PubMed ID: 38224868). Alternate substitutions at the same amino acid position (p.Arg8Gly, p.Arg8Leu, p.Arg8Trp) have been reported as pathogenic in patients with Bartter syndrome (Birkenhager et al. 2001. PubMed ID: 11687798; Elrharchi et al. 2018. PubMed ID: 30174009). The c.23G>A variant is reported in 0.036% of alleles in individuals of South Asian descent in gnomAD. The majority of labs in ClinVar interpret this variant as likely pathogenic or pathogenic (Variation ID: 2202510). This variant is interpreted as likely pathogenic.

Labcorp Genetics (formerly Invitae), Labcorp
Classification: Pathogenic. Last evaluated: 2026-01-16. Review status: criteria provided, single submitter. Criteria: Invitae Variant Classification Sherloc (09022015). Collection method: clinical testing. Allele origin: germline.
Comment: This sequence change replaces arginine, which is basic and polar, with glutamine, which is neutral and polar, at codon 8 of the BSND protein (p.Arg8Gln). The frequency data for this variant in the population databases is considered unreliable, as metrics indicate poor data quality at this position in the gnomAD database. This missense change has been observed in individuals with deafness (PMID: 29986705, 30174009, 33879512, 38224868, 38767670). ClinVar contains an entry for this variant (Variation ID: 2202510). Invitae Evidence Modeling of protein sequence and biophysical properties (such as structural, functional, and spatial information, amino acid conservation, physicochemical variation, residue mobility, and thermodynamic stability) indicates that this missense variant is expected to disrupt BSND protein function with a positive predictive value of 80%. This variant disrupts the p.Arg8 amino acid residue in BSND. Other variant(s) that disrupt this residue have been determined to be pathogenic (PMID: 30174009). This suggests that this residue is clinically significant, and that variants that disrupt this residue are likely to be disease-causing. For these reasons, this variant has been classified as Pathogenic.

Victorian Clinical Genetics Services, Murdoch Childrens Research Institute
Classification: Likely pathogenic for Bartter disease type 4A. Last evaluated: 2025-12-31. Review status: criteria provided, single submitter. Criteria: ACMG Guidelines, 2015. Collection method: clinical testing. Allele origin: germline. Affected: no.
Comment: This variant is classified as Likely pathogenic. Evidence in support of pathogenic classification: Variant is present in gnomAD <0.01 for a recessive condition (v4: 144 heterozygote(s), 1 homozygote(s)); This variant has moderate previous evidence of pathogenicity in unrelated individuals. This variant has been classified as likely pathogenic and a VUS by clinical laboratories in ClinVar. It has also been reported in a homozygous state in two individuals; one with congenital non-syndromic bilateral sensorineural hearing loss (SNHL), and the other with pre-lingual SNHL and a kidney disorder (PMID: 29986705, PMID: 38767670). In addition, this variant has been reported in a heterozygous state in two unrelated individuals with bilateral SNHL (PMID: 28984810); Other missense variants comparable to the one identified in this case have strong previous evidence for pathogenicity. The p.(Arg8Gly) variant has been classified as pathogenic, and the p.(Arg8Trp) variant has been classified as pathogenic or likely pathogenic by multiple clinical diagnostic laboratories (ClinVar); Missense variant predicted to be damaging by in silico tool(s) or highly conserved with a major amino acid change. Additional information: Variant is predicted to result in a missense amino acid change from Arg to Gln; This variant is heterozygous; This gene is associated with autosomal recessive disease; Alternative amino acid change(s) at the same position are present in gnomAD (highest allele count: v4: 40 heterozygote(s), 0 homozygote(s)); No published evidence of segregation with disease has been identified for this variant; No published functional evidence has been identified for this variant; Variant is not located in an established domain, motif, hotspot or informative constraint region; Loss of function is a known mechanism of disease in this gene and is associated with Bartter disease, type 4A (MIM#602522); Variants in this gene are known to have variable expressivity. A wide phenotypic continuum has been reported (PMID: 19646679); Parental origin of the variant is unresolved. It is unclear if the variant in this proband is maternally or paternally inherited.

Women's Health and Genetics/Laboratory Corporation of America, LabCorp
Classification: Likely pathogenic for Bartter syndrome. Last evaluated: 2025-11-11. Review status: criteria provided, single submitter. Criteria: LabCorp Variant Classification Summary - May 2015. Collection method: clinical testing. Allele origin: germline.
Comment: Variant summary: BSND c.23G>A (p.Arg8Gln) results in a conservative amino acid change in the encoded protein sequence. Algorithms developed to predict the effect of missense changes on protein structure and function are either unavailable or do not agree on the potential impact of this missense change. The variant allele was found at a frequency of 9.5e-05 in 251394 control chromosomes in the gnomAD database, including 1 homozygotes. This frequency is not significantly higher than estimated for disease-causing variants in BSND, allowing no conclusion about variant significance. c.23G>A has been observed in homozygous state in individual(s) affected with Bartter Syndrome, Type 4a and congenital bilateral non-syndromic sensorineural deafnes (examples: Cabanilla_2018, Rezaie_2024). These data indicate that the variant is likely to be associated with disease. To our knowledge, no experimental evidence demonstrating an impact on protein function has been reported. The following publications have been ascertained in the context of this evaluation (PMID: 29986705, 31706454, 33879512, 38767670). ClinVar contains an entry for this variant (Variation ID: 2202510). Based on the evidence outlined above, the variant was classified as likely pathogenic.

Natera, Inc.
Classification: Likely pathogenic for Bartter syndrome. Last evaluated: 2025-07-28. Review status: criteria provided, single submitter. Criteria: Natera Variant Classification Schema (03/2026). Collection method: clinical testing. Allele origin: germline.
Comment: The c.23G>A variant in BSND is a missense variant predicted to cause substitution of arginine to glutamine at amino acid 8. This variant is rare in the general population with a frequency below the threshold expected for the associated phenotype(s). This variant has been observed in one or more individuals affected with the associated recessive disease, as either homozygous or compound heterozygous with a second variant (PMID: 29986705, 38767670). A different variant at the same position has been determined to be Pathogenic or Likely Pathogenic. Computational prediction algorithms indicate this variant is likely to affect gene or protein function. Given the available evidence, this variant is classified as Likely Pathogenic.

Laboratory of Molecular Genetics, CHU Rennes
Classification: Likely pathogenic for Bartter disease type 4A. Last evaluated: 2025-04-14. Review status: criteria provided, single submitter. Criteria: ACMG Guidelines, 2015. Collection method: clinical testing. Allele origin: paternal. Affected: yes.

Blueprint Genetics
Classification: Uncertain significance. Last evaluated: 2024-04-16. Review status: criteria provided, single submitter. Criteria: ACMG Guidelines, 2015. Collection method: clinical testing. Allele origin: germline.

Department of Pathology and Laboratory Medicine, Sinai Health System
Classification: Likely pathogenic for Bartter syndrome type 4. Last evaluated: 2022-11-21. Review status: criteria provided, single submitter. Criteria: ACMG Guidelines, 2015. Collection method: research. Allele origin: germline.

Clinical Genetics Service, Universitary Hospital 12 de Octubre
Classification: Pathogenic for Bartter disease type 4A. Review status: criteria provided, single submitter. Criteria: ACMG Guidelines, 2015. Collection method: clinical testing. Allele origin: germline. Affected: yes.

Literature cited by the submitters: PubMed 29986705 (cited by 4 submitters); PubMed 30174009 (cited by Labcorp Genetics (formerly Invitae), Labcorp); PubMed 33879512 (cited by Labcorp Genetics (formerly Invitae), Labcorp and Women's Health and Genetics/Laboratory Corporation of America, LabCorp); PubMed 38224868 (cited by Labcorp Genetics (formerly Invitae), Labcorp); PubMed 38767670 (cited by 4 submitters); PubMed 19646679 (cited by Victorian Clinical Genetics Services, Murdoch Childrens Research Institute); PubMed 28984810 (cited by Victorian Clinical Genetics Services, Murdoch Childrens Research Institute); PubMed 31706454 (cited by Women's Health and Genetics/Laboratory Corporation of America, LabCorp).